The following is an entry in ClinVar:

ClinVar aggregate classification (germline): Uncertain significance (1 of 4 stars; one submission).

gnomAD v4.1: 1 of 1,611,942 alleles (0.000062%); highest among the groups gnomAD compares: Admixed American, 0.0017%; no homozygotes.

Submission:

Labcorp Genetics (formerly Invitae), Labcorp
Classification: Uncertain significance. Last evaluated: 2025-05-01. Review status: criteria provided, single submitter. Criteria: Invitae Variant Classification Sherloc (09022015). Collection method: clinical testing. Allele origin: germline.
Comment: This sequence change replaces aspartic acid, which is acidic and polar, with glycine, which is neutral and non-polar, at codon 78 of the FBXO11 protein (p.Asp78Gly). This variant is not present in population databases (gnomAD no frequency). This variant has not been reported in the literature in individuals affected with FBXO11-related conditions. An algorithm developed to predict the effect of missense changes on protein structure and function (PolyPhen-2) suggests that this variant is likely to be tolerated. In summary, the available evidence is currently insufficient to determine the role of this variant in disease. Therefore, it has been classified as a Variant of Uncertain Significance.

NM_001190274.2(FBXO11):c.233A>G (p.Asp78Gly)

Gene: FBXO11 (F-box protein 11; minus strand). Cytogenetic location: 2p16.3.
Variant type: single nucleotide variant.
Coding change: c.233A>G on transcript NM_001190274.2 (MANE Select); coding-DNA position 233, A replaced by G.
Protein change: p.Asp78Gly; replaces aspartic acid 78 with glycine.
Molecular consequence: missense variant. On other transcripts: 5 prime UTR variant (2).
Genome position (GRCh38, 1-based): chr2:47,839,769, T>C on the plus strand (A>G on the coding strand, the complement: FBXO11 is on the minus strand). VCF-style: chr2-47839769-T-C. GRCh37 (hg19) VCF-style: chr2-48066908-T-C.
Other names: c.-20A>G (NM_001374325.1, NM_025133.4); short protein forms D78G.
Identifiers: ClinVar variation 4718783 (VCV004718783.1).